The following is an entry in ClinVar:

NM_182961.4(SYNE1):c.21522+29C>T

Gene: SYNE1 (spectrin repeat containing nuclear envelope protein 1; minus strand). Cytogenetic location: 6q25.2.
Variant type: single nucleotide variant.
Coding change: c.21522+29C>T on transcript NM_182961.4 (MANE Select); 29 bases into the intron after coding-DNA position 21522, C replaced by T.
Molecular consequence: intron variant.
Genome position (GRCh38, 1-based): chr6:152,224,465, G>A on the plus strand (C>T on the coding strand, the complement: SYNE1 is on the minus strand). VCF-style: chr6-152224465-G-A. GRCh37 (hg19) VCF-style: chr6-152545600-G-A.
Other names: c.21309+29C>T (NM_033071.5).
Identifiers: ClinVar variation 674875 (VCV000674875.2), dbSNP rs147275274, ClinGen allele CA4054136.
Genomic context (GRCh38, chr6:152,224,465, plus strand): 5'-AATATTTCAGGATGATGTCTCCATTTGGTAATTTTTCAGTTTTCTAAAATTAAAATGAAC[G>A]TTAAGGATGTGTTAAATTAATTCCTTACCTGAAGATTGTCCACCTGAACTTGCACAGCTT-3'

ClinVar aggregate classification (germline): Likely benign. Review status: criteria provided, multiple submitters, no conflicts (2 of 4 stars). 2 submissions from 2 submitters: Likely benign (2). Last evaluated 2018-06-19.

Allele frequency attached by ClinVar (database versions not stated): 1000 Genomes Project 30x 0.00718; 1000 Genomes Project 0.00759; TOPMed 0.01504; gnomAD 0.01618 and 0.01662; ESP Exome Variant Server 0.01753; gnomAD exomes 0.01859 and 0.02381; ExAC 0.01897.
gnomAD v4.1: 36,834 of 1,605,554 alleles (2.3%); highest among the groups gnomAD compares: Non-Finnish European, 2.7%; 497 homozygotes.

Submissions (2):

GeneDx
Classification: Likely benign. Last evaluated: 2018-06-19. Review status: criteria provided, single submitter. Criteria: GeneDx Variant Classification (06012015). Collection method: clinical testing. Allele origin: germline. Affected: yes.
Comment: This variant is considered likely benign or benign based on one or more of the following criteria: it is a conservative change, it occurs at a poorly conserved position in the protein, it is predicted to be benign by multiple in silico algorithms, and/or has population frequency not consistent with disease.

Breakthrough Genomics
Classification: Likely benign. Review status: criteria provided, single submitter. Criteria: ACMG Guidelines, 2015. Collection method: not provided. Allele origin: germline. Inheritance: Autosomal recessive inheritance. Affected: yes.